The following is an entry in ClinVar:

NM_006978.3(RNF113A):c.722A>G (p.Tyr241Cys)

Gene: RNF113A (ring finger protein 113A; minus strand). Cytogenetic location: Xq24.
Variant type: single nucleotide variant.
Coding change: c.722A>G on transcript NM_006978.3 (MANE Select); coding-DNA position 722, A replaced by G.
Protein change: p.Tyr241Cys; replaces tyrosine 241 with cysteine.
Molecular consequence: missense variant.
Genome position (GRCh38, 1-based): chrX:119,870,892, T>C on the plus strand (A>G on the coding strand, the complement: RNF113A is on the minus strand). VCF-style: chrX-119870892-T-C. GRCh37 (hg19) VCF-style: chrX-119004855-T-C.
Other names: short protein forms Y241C.
Identifiers: ClinVar variation 4764592 (VCV004764592.1).
Genomic context (GRCh38, chrX:119,870,892, plus strand): 5'-TTGAATGGTATTTCCTCATCATCGCTTCCCACTTCATAGTTTTCATCCTCATAGACACCA[T>C]AGCGACCCTCATCAAGCTCACGTTCGATCTGCCACCCATGCTTGTAATCTGAACGGTCAT-3'
Protein context (NP_008909.1, residues 231-251): QIERELDEGR[Tyr241Cys]GVYEDENYEV

ClinVar aggregate classification (germline): Uncertain significance (1 of 4 stars; one submission).

gnomAD v4.1: 1 of 1,211,594 alleles (0.000083%); highest among the groups gnomAD compares: Non-Finnish European, 0.00011%; no homozygotes.

Submission:

Labcorp Genetics (formerly Invitae), Labcorp
Classification: Uncertain significance. Last evaluated: 2025-09-04. Review status: criteria provided, single submitter. Criteria: Invitae Variant Classification Sherloc (09022015). Collection method: clinical testing. Allele origin: germline.
Comment: This sequence change replaces tyrosine, which is neutral and polar, with cysteine, which is neutral and slightly polar, at codon 241 of the RNF113A protein (p.Tyr241Cys). This variant is not present in population databases (gnomAD no frequency). This variant has not been reported in the literature in individuals affected with RNF113A-related conditions. Invitae Evidence Modeling of protein sequence and biophysical properties (such as structural, functional, and spatial information, amino acid conservation, physicochemical variation, residue mobility, and thermodynamic stability) indicates that this missense variant is expected to disrupt RNF113A protein function with a positive predictive value of 80%. In summary, the available evidence is currently insufficient to determine the role of this variant in disease. Therefore, it has been classified as a Variant of Uncertain Significance.